The following is an entry in ClinVar:

NM_000443.4(ABCB4):c.3580C>T (p.Gln1194Ter)

Gene: ABCB4 (ATP binding cassette subfamily B member 4; minus strand). Cytogenetic location: 7q21.12.
Variant type: single nucleotide variant.
Coding change: c.3580C>T on transcript NM_000443.4 (MANE Select); coding-DNA position 3580, C replaced by T.
Protein change: p.Gln1194Ter; replaces glutamine 1194 with a stop codon.
Molecular consequence: nonsense.
Genome position (GRCh38, 1-based): chr7:87,403,188, G>A on the plus strand (C>T on the coding strand, the complement: ABCB4 is on the minus strand). VCF-style: chr7-87403188-G-A. GRCh37 (hg19) VCF-style: chr7-87032504-G-A.
Other names: c.3601C>T, p.Gln1201Ter (NM_018849.3); c.3439C>T, p.Gln1147Ter (NM_018850.3); short protein forms Q1147*, Q1194*, Q1201*.
Identifiers: ClinVar variation 4846579 (VCV004846579.2).

ClinVar aggregate classification (germline): Pathogenic/Likely pathogenic. Review status: criteria provided, multiple submitters, no conflicts (2 of 4 stars). 2 submissions from 2 submitters: Pathogenic (1); Likely pathogenic (1). Last evaluated 2026-04-14.

Conditions:
Familial intrahepatic cholestasis. Identifiers: Orphanet 284385, MedGen CN296401, MONDO:0017290.
Cholestasis. Identifiers: MedGen C0008370, MONDO:0001751, HP:0001396.

gnomAD v4.1: 5 of 1,613,934 alleles (0.00031%); highest among the groups gnomAD compares: African/African-American, 0.0013%; no homozygotes.

Submissions (2):

Genomenon, Inc
Classification: Likely pathogenic for Familial intrahepatic cholestasis. Last evaluated: 2026-04-14. Review status: criteria provided, single submitter. Criteria: Genomenon Sequence Variant Interpretation Standards - Updated. Collection method: curation. Allele origin: germline. Affected: yes.
Comment: ABCB4 p.Gln1194Ter (c.3580C>T) is a nonsense variant that introduces a premature stop codon at amino acid position 1194, creating a truncated protein. This variant has been observed in at least one proband with an ABCB4-related disorder (PMID:41165782). It is absent or not present at a significant frequency in gnomAD. In conclusion, we classify ABCB4 p.Gln1194Ter (c.3580C>T) as a likely pathogenic variant.

Institute Of Liver Studies, NHS South East Genomic Laboratory Hub
Classification: Pathogenic for Cholestasis. Last evaluated: 2025-06-16. Review status: criteria provided, single submitter. Criteria: ACGS Best Practice Guidelines for Variant Classification in Rare Disease 2020. Collection method: clinical testing. Allele origin: germline. Affected: yes.

Literature cited by the submitters: PubMed 41165782 (cited by Genomenon, Inc).